The following is an entry in ClinVar:

NM_017837.4(PIGV):c.1364T>C (p.Met455Thr)

Gene: PIGV (phosphatidylinositol glycan anchor biosynthesis class V; plus strand). Cytogenetic location: 1p36.11.
Variant type: single nucleotide variant.
Coding change: c.1364T>C on transcript NM_017837.4 (MANE Select); coding-DNA position 1364, T replaced by C.
Protein change: p.Met455Thr; replaces methionine 455 with threonine.
Molecular consequence: missense variant. On other transcripts: non-coding transcript variant (2).
Genome position (GRCh38, 1-based): chr1:26,797,726, T>C. VCF-style: chr1-26797726-T-C. GRCh37 (hg19) VCF-style: chr1-27124217-T-C.
Other names: c.1364T>C, p.Met455Thr (NM_001202554.2, NM_001374478.1, NM_001374480.1 and 2 more transcripts); c.983T>C, p.Met328Thr (NM_001374483.1); c.737T>C, p.Met246Thr (NM_001374484.1, NM_001374485.1); c.242T>C, p.Met81Thr (NM_001374486.1); short protein forms M246T, M328T, M455T, M81T.
Identifiers: ClinVar variation 1308986 (VCV001308986.3), dbSNP rs749892627, ClinGen allele CA708214.

ClinVar aggregate classification (germline): Uncertain significance. Review status: criteria provided, multiple submitters, no conflicts (2 of 4 stars). 2 submissions from 2 submitters: Uncertain significance (2). Last evaluated 2025-11-30.

Allele frequency attached by ClinVar (database versions not stated): gnomAD exomes below 0.00001; ExAC 0.00001; gnomAD 0.00001; TOPMed 0.00001.
gnomAD v4.1: 5 of 1,614,006 alleles (0.00031%); highest among the groups gnomAD compares: Non-Finnish European, 0.00042%; no homozygotes.

Submissions (2):

Labcorp Genetics (formerly Invitae), Labcorp
Classification: Uncertain significance. Last evaluated: 2025-11-30. Review status: criteria provided, single submitter. Criteria: Invitae Variant Classification Sherloc (09022015). Collection method: clinical testing. Allele origin: germline.
Comment: This sequence change replaces methionine, which is neutral and non-polar, with threonine, which is neutral and polar, at codon 455 of the PIGV protein (p.Met455Thr). This variant is present in population databases (rs749892627, gnomAD 0.0009%). This variant has not been reported in the literature in individuals affected with PIGV-related conditions. ClinVar contains an entry for this variant (Variation ID: 1308986). Invitae Evidence Modeling of protein sequence and biophysical properties (such as structural, functional, and spatial information, amino acid conservation, physicochemical variation, residue mobility, and thermodynamic stability) indicates that this missense variant is not expected to disrupt PIGV protein function with a negative predictive value of 95%. In summary, the available evidence is currently insufficient to determine the role of this variant in disease. Therefore, it has been classified as a Variant of Uncertain Significance.

GeneDx
Classification: Uncertain significance. Last evaluated: 2019-10-07. Review status: criteria provided, single submitter. Criteria: GeneDx Variant Classification Process June 2021. Collection method: clinical testing. Allele origin: germline. Affected: yes.
Comment: Not observed at a significant frequency in large population cohorts (Lek et al., 2016); In silico analysis, which includes protein predictors and evolutionary conservation, supports that this variant does not alter protein structure/function; Has not been previously published as pathogenic or benign to our knowledge